The following is an entry in ClinVar:

NM_001430.5(EPAS1):c.1071C>A (p.Asp357Glu)

Gene: EPAS1 (endothelial PAS domain protein 1; plus strand). Cytogenetic location: 2p21.
Variant type: single nucleotide variant.
Coding change: c.1071C>A on transcript NM_001430.5 (MANE Select); coding-DNA position 1071, C replaced by A.
Protein change: p.Asp357Glu; replaces aspartic acid 357 with glutamic acid.
Molecular consequence: missense variant.
Genome position (GRCh38, 1-based): chr2:46,376,575, C>A. VCF-style: chr2-46376575-C-A. GRCh37 (hg19) VCF-style: chr2-46603714-C-A.
Other names: short protein forms D357E.
Identifiers: ClinVar variation 2450305 (VCV002450305.2), dbSNP rs2546471288, ClinGen allele CA346703114.

ClinVar aggregate classification (germline): Uncertain significance (1 of 4 stars; one submission).

Conditions:
Inborn genetic diseases. Identifiers: MedGen C0950123, MeSH D030342.

Submission:

Ambry Genetics
Classification: Uncertain significance for Inborn genetic diseases. Last evaluated: 2022-12-16. Review status: criteria provided, single submitter. Criteria: Ambry Variant Classification Scheme 2023. Collection method: clinical testing. Allele origin: germline.
Comment: The p.D357E variant (also known as c.1071C>A), located in coding exon 9 of the EPAS1 gene, results from a C to A substitution at nucleotide position 1071. The aspartic acid at codon 357 is replaced by glutamic acid, an amino acid with highly similar properties. This amino acid position is conserved. In addition, this alteration is predicted to be tolerated by in silico analysis. Since supporting evidence is limited at this time, the clinical significance of this alteration remains unclear.